The following is an entry in ClinVar:

ClinVar aggregate classification (germline): Uncertain significance (1 of 4 stars; one submission).

gnomAD v4.1: 427 of 1,610,650 alleles (0.027%); highest among the groups gnomAD compares: Non-Finnish European, 0.032%; no homozygotes.

Submission:

Labcorp Genetics (formerly Invitae), Labcorp
Classification: Uncertain significance. Last evaluated: 2024-09-04. Review status: criteria provided, single submitter. Criteria: Invitae Variant Classification Sherloc (09022015). Collection method: clinical testing. Allele origin: germline.
Comment: This sequence change replaces methionine, which is neutral and non-polar, with valine, which is neutral and non-polar, at codon 323 of the EXO5 protein (p.Met323Val). This variant is present in population databases (rs145178039, gnomAD 0.03%). This variant has not been reported in the literature in individuals affected with EXO5-related conditions. An algorithm developed to predict the effect of missense changes on protein structure and function outputs the following: PolyPhen-2: "Benign". The valine amino acid residue is found in multiple mammalian species, which suggests that this missense change does not adversely affect protein function. In summary, the available evidence is currently insufficient to determine the role of this variant in disease. Therefore, it has been classified as a Variant of Uncertain Significance.

NM_001346953.2(EXO5):c.967A>G (p.Met323Val)

Gene: EXO5 (exonuclease 5; plus strand). Cytogenetic location: 1p34.2.
Variant type: single nucleotide variant.
Coding change: c.967A>G on transcript NM_001346953.2 (MANE Select); coding-DNA position 967, A replaced by G.
Protein change: p.Met323Val; replaces methionine 323 with valine.
Molecular consequence: missense variant.
Genome position (GRCh38, 1-based): chr1:40,515,511, A>G. VCF-style: chr1-40515511-A-G. GRCh37 (hg19) VCF-style: chr1-40981183-A-G.
Other names: c.967A>G, p.Met323Val (NM_001346946.2, NM_001346947.2, NM_001346948.2 and 8 more transcripts); short protein forms M323V.
Identifiers: ClinVar variation 3630459 (VCV003630459.2).